The following is an entry in ClinVar:

ClinVar aggregate classification (germline): Uncertain significance. Review status: criteria provided, multiple submitters, no conflicts (2 of 4 stars). 2 submissions from 2 submitters: Uncertain significance (2). Last evaluated 2024-05-25.

Conditions:
Hypoalphalipoproteinemia, primary, 2, intermediate. Also called: HYPOALPHALIPOPROTEINEMIA, PRIMARY, 2, AUTOSOMAL DOMINANT. Identifiers: MedGen C5677030, MONDO:0859238, OMIM 619836.
Familial amyloid polyneuropathy, Iowa type (AMYLD3). Also called: Familial amyloid polyneuropathy type III; AMYLOIDOSIS, HEREDITARY SYSTEMIC 3; AMYLOIDOSIS, IOWA TYPE; AMYLOIDOSIS, VAN ALLEN TYPE; AMYLOIDOSIS, TYPE III; AMYLOIDOSIS, TYPE IV. Identifiers: MedGen C4551500, MONDO:0971008, OMIM 620657.
Hypoalphalipoproteinemia, primary, 2. Also called: HIGH DENSITY LIPOPROTEIN DEFICIENCY; HYPOALPHALIPOPROTEINEMIA, PRIMARY, 2, AUTOSOMAL RECESSIVE. Identifiers: MedGen C5551172, MONDO:0032766, OMIM 618463.

Allele frequency attached by ClinVar (database versions not stated): gnomAD exomes below 0.00001; TOPMed 0.00002; gnomAD 0.00003.

Submissions (2):

Fulgent Genetics
Classification: Uncertain significance for Hypoalphalipoproteinemia, primary, 2; Hypoalphalipoproteinemia, primary, 2, intermediate; Familial amyloid polyneuropathy, Iowa type. Last evaluated: 2024-05-25. Review status: criteria provided, single submitter. Criteria: ACMG Guidelines, 2015. Collection method: clinical testing. Allele origin: germline.

Labcorp Genetics (formerly Invitae), Labcorp
Classification: Uncertain significance. Last evaluated: 2023-09-22. Review status: criteria provided, single submitter. Criteria: Invitae Variant Classification Sherloc (09022015). Collection method: clinical testing. Allele origin: germline.
Comment: This variant has not been reported in the literature in individuals affected with APOA1-related conditions. In summary, the available evidence is currently insufficient to determine the role of this variant in disease. Therefore, it has been classified as a Variant of Uncertain Significance. Advanced modeling of protein sequence and biophysical properties (such as structural, functional, and spatial information, amino acid conservation, physicochemical variation, residue mobility, and thermodynamic stability) has been performed at Invitae for this missense variant, however the output from this modeling did not meet the statistical confidence thresholds required to predict the impact of this variant on APOA1 protein function. This variant is present in population databases (no rsID available, gnomAD 0.007%). This sequence change replaces glutamic acid, which is acidic and polar, with valine, which is neutral and non-polar, at codon 171 of the APOA1 protein (p.Glu171Val).

NM_000039.3(APOA1):c.512A>T (p.Glu171Val)

Gene: APOA1 (apolipoprotein A1; minus strand). Cytogenetic location: 11q23.3.
Variant type: single nucleotide variant.
Coding change: c.512A>T on transcript NM_000039.3 (MANE Select); coding-DNA position 512, A replaced by T.
Protein change: p.Glu171Val; replaces glutamic acid 171 with valine.
Molecular consequence: missense variant.
Genome position (GRCh38, 1-based): chr11:116,836,100, T>A on the plus strand (A>T on the coding strand, the complement: APOA1 is on the minus strand). VCF-style: chr11-116836100-T-A. GRCh37 (hg19) VCF-style: chr11-116706816-T-A.
Other names: c.467A>T, p.Glu156Val (NM_001425093.1); c.512A>T, p.Glu171Val (NM_001318017.2, NM_001318018.2, NM_001425090.1); c.185A>T, p.Glu62Val (NM_001318021.2, NM_001425091.1, NM_001425092.1); short protein forms E171V, E156V, E62V.
Identifiers: ClinVar variation 2867498 (VCV002867498.4), dbSNP rs1015066427, ClinGen allele CA229324196.
Genomic context (GRCh38, chr11:116,836,100, plus strand): 5'-CTGTAGGGGGCCAGATGCGTGCGCAGCGCGTCCACATGGGCGCGCGCGCGGTCGCGCATC[T>A]CCTCGCCCAGTGGGCTCAGCTTCTCTTGCAGCTCGTGCAGCTTCTGGCGCGCGCCCTCTT-3'
Protein context (NP_000030.1, residues 161-181): LQEKLSPLGE[Glu171Val]MRDRARAHVD